The following is an entry in ClinVar:

ClinVar aggregate classification (germline): Conflicting classifications of pathogenicity. Review status: criteria provided, conflicting classifications (1 of 4 stars). 6 submissions from 5 submitters: Uncertain significance (5); Likely benign (1). Last evaluated 2025-11-26.

Conditions:
MITF-related disorder. Also called: MITF-related condition.
Waardenburg syndrome type 2A (WS2A). Also called: WAARDENBURG SYNDROME WITHOUT DYSTOPIA CANTHORUM. Identifiers: Orphanet 3440, MedGen C1860339, MONDO:0008671, OMIM 193510.
Tietz syndrome (TADS). Also called: ALBINISM-DEAFNESS OF TIETZ; HYPOPIGMENTATION/DEAFNESS OF TIETZ; TIETZ ALBINISM-DEAFNESS SYNDROME. Identifiers: Orphanet 42665, MedGen C0391816, MONDO:0007077, OMIM 103500.
Melanoma, cutaneous malignant, susceptibility to, 8. Also called: MELANOMA AND RENAL CELL CARCINOMA, SUSCEPTIBILITY TO; Cutaneous malignant melanoma 8. Identifiers: Orphanet 293822, MedGen C3152204, MONDO:0013759, OMIM 614456.
Hereditary cancer-predisposing syndrome. Also called: Neoplastic Syndromes, Hereditary; Tumor predisposition; Hereditary neoplastic syndrome; Hereditary Cancer Syndrome. Identifiers: Orphanet 140162, MedGen C0027672, MeSH D009386, MONDO:0015356.

Allele frequency attached by ClinVar (database versions not stated): gnomAD exomes below 0.00001; ExAC 0.00001.

Submissions (6):

Labcorp Genetics (formerly Invitae), Labcorp
Classification: Uncertain significance for Melanoma, cutaneous malignant, susceptibility to, 8; Waardenburg syndrome type 2A; Tietz syndrome. Last evaluated: 2025-11-26. Review status: criteria provided, single submitter. Criteria: Invitae Variant Classification Sherloc (09022015). Collection method: clinical testing. Allele origin: germline.
Comment: This sequence change replaces methionine, which is neutral and non-polar, with valine, which is neutral and non-polar, at codon 62 of the MITF protein (p.Met62Val). This variant is present in population databases (rs143224466, gnomAD 0.0009%). This variant has not been reported in the literature in individuals affected with MITF-related conditions. ClinVar contains an entry for this variant (Variation ID: 346494). Invitae Evidence Modeling of protein sequence and biophysical properties (such as structural, functional, and spatial information, amino acid conservation, physicochemical variation, residue mobility, and thermodynamic stability) indicates that this missense variant is not expected to disrupt MITF protein function with a negative predictive value of 80%. In summary, the available evidence is currently insufficient to determine the role of this variant in disease. Therefore, it has been classified as a Variant of Uncertain Significance.

Ambry Genetics
Classification: Uncertain significance for Hereditary cancer-predisposing syndrome. Last evaluated: 2024-11-25. Review status: criteria provided, single submitter. Criteria: Ambry Variant Classification Scheme 2023. Collection method: clinical testing. Allele origin: germline.
Comment: The p.M62V variant (also known as c.184A>G), located in coding exon 2 of the MITF gene, results from an A to G substitution at nucleotide position 184. The methionine at codon 62 is replaced by valine, an amino acid with highly similar properties. This amino acid position is conserved. In addition, this alteration is predicted to be tolerated by in silico analysis. Based on the available evidence, the clinical significance of this variant remains unclear.

PreventionGenetics, part of Exact Sciences
Classification: Uncertain significance for MITF-related condition. Last evaluated: 2023-02-20. Review status: criteria provided, single submitter. Criteria: ACMG Guidelines, 2015. Collection method: clinical testing. Allele origin: germline.
Comment: The MITF c.184A>G variant is predicted to result in the amino acid substitution p.Met62Val. To our knowledge, this variant has not been reported in the literature. This variant is reported in 0.00088% of alleles in individuals of European (Non-Finnish) descent in gnomAD. At this time, the clinical significance of this variant is uncertain due to the absence of conclusive functional and genetic evidence.

GeneDx
Classification: Likely benign. Last evaluated: 2019-02-22. Review status: criteria provided, single submitter. Criteria: GeneDx Variant Classification Process June 2021. Collection method: clinical testing. Allele origin: germline. Affected: yes.

Illumina Laboratory Services, Illumina
Classification: Uncertain significance for Tietz syndrome. Last evaluated: 2018-01-13. Review status: criteria provided, single submitter. Criteria: ICSL Variant Classification Criteria 13 December 2019. Collection method: clinical testing. Allele origin: germline.

Illumina Laboratory Services, Illumina
Classification: Uncertain significance for Waardenburg syndrome type 2A. Last evaluated: 2018-01-13. Review status: criteria provided, single submitter. Criteria: ICSL Variant Classification Criteria 13 December 2019. Collection method: clinical testing. Allele origin: germline.

NM_001354604.2(MITF):c.505A>G (p.Met169Val)

Gene: MITF (melanocyte inducing transcription factor; plus strand). Cytogenetic location: 3p13.
Variant type: single nucleotide variant.
Coding change: c.505A>G on transcript NM_001354604.2 (MANE Select); coding-DNA position 505, A replaced by G.
Protein change: p.Met169Val; replaces methionine 169 with valine.
Molecular consequence: missense variant. On other transcripts: intron variant (1).
Genome position (GRCh38, 1-based): chr3:69,937,972, A>G. VCF-style: chr3-69937972-A-G. GRCh37 (hg19) VCF-style: chr3-69987123-A-G.
Other names: c.349A>G, p.Met117Val (NM_001184967.2, NM_001354608.2); c.184A>G, p.Met62Val (NM_001184968.2, NM_000248.4, NM_198158.3); c.502A>G, p.Met168Val (NM_001354605.2, NM_001354606.2, NM_006722.3); c.454A>G, p.Met152Val (NM_001354607.2); c.505A>G, p.Met169Val (NM_198159.3); c.457A>G, p.Met153Val (NM_198177.3); c.93+91A>G (NM_198178.3); short protein forms M62V, M117V, M152V, M153V, M168V, M169V.
Identifiers: ClinVar variation 346494 (VCV000346494.14), dbSNP rs143224466, ClinGen allele CA2490366.